The following is an entry in ClinVar:

ClinVar aggregate classification (germline): Uncertain significance. Review status: criteria provided, multiple submitters, no conflicts (2 of 4 stars). 2 submissions from 2 submitters: Uncertain significance (2). Last evaluated 2025-08-06.

Conditions:
LAMA2-related muscular dystrophy (LAMA2-RD). Also called: Laminin alpha 2-related dystrophy. Identifiers: MedGen C5679788, MONDO:0100228.
Inborn genetic diseases. Identifiers: MedGen C0950123, MeSH D030342.

Allele frequency attached by ClinVar (database versions not stated): gnomAD 0.00002; gnomAD exomes 0.00002; TOPMed 0.00003; ExAC 0.00007; 1000 Genomes Project 0.00020.
gnomAD v4.1: 25 of 1,596,378 alleles (0.0016%); highest among the groups gnomAD compares: Admixed American, 0.0033%; no homozygotes.

Submissions (2):

Ambry Genetics
Classification: Uncertain significance for Inborn genetic diseases. Last evaluated: 2025-08-06. Review status: criteria provided, single submitter. Criteria: Ambry Variant Classification Scheme 2023. Collection method: clinical testing. Allele origin: germline.

Labcorp Genetics (formerly Invitae), Labcorp
Classification: Uncertain significance for LAMA2-related muscular dystrophy. Last evaluated: 2022-06-27. Review status: criteria provided, single submitter. Criteria: Invitae Variant Classification Sherloc (09022015). Collection method: clinical testing. Allele origin: germline.
Comment: This sequence change replaces arginine, which is basic and polar, with glutamine, which is neutral and polar, at codon 434 of the LAMA2 protein (p.Arg434Gln). This variant is present in population databases (rs200097756, gnomAD 0.01%). This variant has not been reported in the literature in individuals affected with LAMA2-related conditions. Advanced modeling of protein sequence and biophysical properties (such as structural, functional, and spatial information, amino acid conservation, physicochemical variation, residue mobility, and thermodynamic stability) performed at Invitae indicates that this missense variant is not expected to disrupt LAMA2 protein function. In summary, the available evidence is currently insufficient to determine the role of this variant in disease. Therefore, it has been classified as a Variant of Uncertain Significance.

NM_000426.4(LAMA2):c.1301G>A (p.Arg434Gln)

Gene: LAMA2 (laminin subunit alpha 2; plus strand). Cytogenetic location: 6q22.33.
Variant type: single nucleotide variant.
Coding change: c.1301G>A on transcript NM_000426.4 (MANE Select); coding-DNA position 1301, G replaced by A.
Protein change: p.Arg434Gln; replaces arginine 434 with glutamine.
Molecular consequence: missense variant.
Genome position (GRCh38, 1-based): chr6:129,165,670, G>A. VCF-style: chr6-129165670-G-A. GRCh37 (hg19) VCF-style: chr6-129486815-G-A.
Other names: c.1301G>A, p.Arg434Gln (NM_001079823.2); short protein forms R434Q.
Identifiers: ClinVar variation 2064511 (VCV002064511.2), dbSNP rs200097756, ClinGen allele CA3992573.